The following is an entry in ClinVar:

ClinVar aggregate classification (germline): Likely pathogenic. Review status: criteria provided, multiple submitters, no conflicts (2 of 4 stars). 3 submissions from 3 submitters: Likely pathogenic (3). Last evaluated 2026-09-30.

Conditions:
USH2A-related disorder. Also called: USH2A-related condition; USH2A-related disorders. Identifiers: MedGen CN239332.
Retinitis pigmentosa 39 (RP39). Identifiers: Orphanet 791, MedGen C3151138, MONDO:0013436, OMIM 613809.

Allele frequency attached by ClinVar (database versions not stated): gnomAD exomes below 0.00001.

Submissions (3):

3billion
Classification: Likely pathogenic for Retinitis pigmentosa 39. Last evaluated: 2026-09-30. Review status: criteria provided, single submitter. Criteria: ACMG Guidelines, 2015. Collection method: clinical testing. Allele origin: germline. Inheritance: Autosomal recessive inheritance. Affected: yes.
Comment: The variant is observed at an extremely low frequency in the gnomAD v4.1.0 dataset (total allele frequency: 0.001%). Predicted Consequence/Location: Inframe insertion located in a nonrepeat region: predicted to change the length of the protein and disrupt normal protein function. The variant has been reported at least twice as pathogenic without evidence for the classification (ClinVar ID: VCV000986949.5 / PMID: 20507924). Therefore, this variant is classified as Likely pathogenic (PM2_P, PM3_P, PM4_M, PP5_M) according to the recommendation of ACMG/AMP guideline.

Blueprint Genetics
Classification: Likely pathogenic for USH2A-related disorders. Last evaluated: 2024-08-12. Review status: criteria provided, single submitter. Criteria: ACMG Guidelines, 2015. Collection method: clinical testing. Allele origin: germline. Affected: yes. Observed: 1 variant allele.

Institute of Medical Genetics and Applied Genomics, University Hospital Tübingen
Classification: Likely pathogenic. Last evaluated: 2020-10-23. Review status: criteria provided, single submitter. Criteria: ACMG Guidelines, 2015. Collection method: clinical testing. Allele origin: germline. Inheritance: Autosomal recessive inheritance. Affected: yes.

Literature cited by the submitters: PubMed 20507924 (cited by 3billion).

NM_206933.4(USH2A):c.13491_13499dup (p.Thr4498_Thr4500dup)

Gene: USH2A (usherin; minus strand). Cytogenetic location: 1q41.
Variant type: Duplication.
Coding change: c.13491_13499dup on transcript NM_206933.4 (MANE Select); coding-DNA positions 13491 to 13499, 9 bases duplicated (TACTCTCAC; older notation c.13491_13499dupTACTCTCAC).
Protein change: p.Thr4498_Thr4500dup.
Molecular consequence: inframe insertion.
Genome position (GRCh38, 1-based): chr1:215,674,412-215,674,420, GTGAGAGTA duplicated on the plus strand (TACTCTCAC on the coding strand, the reverse complement: USH2A is on the minus strand). VCF-style (leftmost placement, unchanged base first): chr1-215674411-G-GGTGAGAGTA. GRCh37 (hg19) VCF-style: chr1-215847753-G-GGTGAGAGTA.
Identifiers: ClinVar variation 986949 (VCV000986949.6), dbSNP rs1349222819, ClinGen allele CA529002034.